The following is an entry in ClinVar:

NM_014855.3(AP5Z1):c.80_83delinsTGCTGTAAACTGTAACTGTAAA (p.Arg27_Ile28delinsLeuLeuTer)

Gene: AP5Z1 (adaptor related protein complex 5 subunit zeta 1; plus strand). Cytogenetic location: 7p22.1.
Variant type: Indel.
Coding change: c.80_83delinsTGCTGTAAACTGTAACTGTAAA on transcript NM_014855.3 (MANE Select); coding-DNA positions 80 to 83, GGAT replaced by TGCTGTAAACTGTAACTGTAAA.
Protein change: p.Arg27_Ile28delinsLeuLeuTer.
Molecular consequence: nonsense. On other transcripts: 5 prime UTR variant (1), non-coding transcript variant (1).
Genome position (GRCh38, 1-based): chr7:4,781,213-4,781,216, GGAT replaced by TGCTGTAAACTGTAACTGTAAA. VCF-style: chr7-4781213-GGAT-TGCTGTAAACTGTAACTGTAAA. GRCh37 (hg19) VCF-style: chr7-4820844-GGAT-TGCTGTAAACTGTAACTGTAAA.
Other names: AP5Z1, 4-BP DEL/22-BP INS, NT80; NC_000007.13:g.4820844_4820847delinsTGCTGTAAACTGTAACTGTAAA; NP_055670.1:p.(Arg27delinsLeuLeuTer); c.80_83delinsTGCTGTAAACTGTAACTGTAAA (NM_014855.2); c.80_83delinsTGCTGTAAACTGTAACTGTAAA, p.Arg27_Ile28delinsLeuLeuTer (LRG_1247t1); c.-202_-199delinsTGCTGTAAACTGTAACTGTAAA (NM_001364858.1).
Identifiers: ClinVar variation 2 (VCV000000002.5), dbSNP rs397704705, ClinGen allele CA215070.

ClinVar aggregate classification (germline): Pathogenic/Likely pathogenic. Review status: criteria provided, multiple submitters, no conflicts (2 of 4 stars). 4 submissions from 4 submitters: Pathogenic (2); Likely pathogenic (1). 1 of the submissions does not count toward it. Last evaluated 2024-12-17.

Conditions:
Hereditary spastic paraplegia 48. Also called: SPASTIC PARAPLEGIA 48, AUTOSOMAL RECESSIVE; Spastic paraplegia 48. Identifiers: Orphanet 306511, MedGen C3150901, MONDO:0013342, OMIM 613647.
Macular dystrophy with or without extraocular features.

Submissions (4):

Ophthalmic Genetics Group, Institute of Molecular and Clinical Ophthalmology Basel
Classification: Likely pathogenic for Macular dystrophy with or without extraocular features. Last evaluated: 2024-12-17. Review status: criteria provided, single submitter. Criteria: ACMG Guidelines, 2015. Collection method: research. Allele origin: germline. Affected: yes. Observed: 1 variant allele.
Comment: This change likely results in a nonsense-mediated mRNA decay. It is not present in gnomAD v2.1.1 and was previously observed in individuals with complicated spastic paraplegia (reported in ClinVar). This variant was classified as Likely pathogenic based on ACMG criteria: PVS1_vstrong, PM2_mod.

Athena Diagnostics
Classification: Pathogenic. Last evaluated: 2024-06-25. Review status: criteria provided, single submitter. Criteria: Athena Diagnostics Criteria. Collection method: clinical testing. Allele origin: unknown.
Comment: This variant is expected to result in the loss of a functional protein. This variant has not been reported in large, multi-ethnic general populations. This variant has been identified in at least one individual with clinical features associated with this gene. This variant appears to segregate with disease associated with this gene in at least one family.

Paris Brain Institute, Inserm - ICM
Classification: Pathogenic for Hereditary spastic paraplegia 48. Review status: criteria provided, single submitter. Criteria: ACMG Guidelines, 2015. Collection method: clinical testing. Allele origin: unknown. Affected: yes. Observed: 2 variant alleles.

OMIM
Classification: Pathogenic for SPASTIC PARAPLEGIA 48, AUTOSOMAL RECESSIVE. Last evaluated: 2010-06-29. Review status: no assertion criteria provided. Collection method: literature only. Allele origin: germline. Not counted in ClinVar's aggregate classification.

Literature cited by the submitters: PubMed 40081374 (cited by Ophthalmic Genetics Group, Institute of Molecular and Clinical Ophthalmology Basel); PubMed 20613862 (cited by Athena Diagnostics and OMIM).